The following is an entry in ClinVar:

NM_004035.7(ACOX1):c.1789_1792del (p.Leu596_Thr597insTer)

Gene: ACOX1 (acyl-CoA oxidase 1; minus strand). Cytogenetic location: 17q25.1.
Variant type: Microsatellite.
Coding change: c.1789_1792del on transcript NM_004035.7 (MANE Select); coding-DNA positions 1789 to 1792, 4 bases deleted (ACTC; older notation c.1789_1792delACTC).
Protein change: p.Leu596_Thr597insTer.
Molecular consequence: nonsense.
Genome position (GRCh38, 1-based): chr17:75,948,394-75,948,397, GAGT deleted on the plus strand (ACTC on the coding strand, the reverse complement: ACOX1 is on the minus strand); deleting any 4 consecutive bases within chr17:75,948,394-75,948,401 gives the same sequence; the c. name uses the placement nearest the transcript's 3' end. VCF-style (leftmost placement, unchanged base first): chr17-75948393-AGAGT-A. GRCh37 (hg19) VCF-style: chr17-73944474-AGAGT-A.
Other names: c.1675_1678del, p.Leu558_Thr559insTer (NM_001185039.2); c.1789_1792del, p.Leu596_Thr597insTer (NM_007292.6); c.1789_1792delACTC (NM_004035.6).
Identifiers: ClinVar variation 2138110 (VCV002138110.8), dbSNP rs769644289, ClinGen allele CA8776655.

ClinVar aggregate classification (germline): Pathogenic/Likely pathogenic. Review status: criteria provided, multiple submitters, no conflicts (2 of 4 stars). 6 submissions from 6 submitters: Pathogenic (3); Likely pathogenic (3). Last evaluated 2025-09-16.

Conditions:
Acyl-CoA oxidase deficiency. Also called: STRAIGHT-CHAIN ACYL-CoA OXIDASE DEFICIENCY; Pseudoneonatal adrenoleukodystrophy; Peroxisomal acyl-CoA oxidase deficiency. Identifiers: Orphanet 2971, MedGen C1849678, MONDO:0009919, OMIM 264470. Disease mechanism: loss of function.
Mitchell syndrome. Identifiers: Orphanet 631248, MedGen C5394554, MONDO:0030073, OMIM 618960.
ACOX1-related disorder. Also called: ACOX1-related disorders; ACOX1-related condition.

Submissions (6):

Natera, Inc.
Classification: Pathogenic for Peroxisomal acyl-CoA oxidase deficiency. Last evaluated: 2025-09-16. Review status: criteria provided, single submitter. Criteria: Natera Variant Classification Schema (03/2026). Collection method: clinical testing. Allele origin: germline.
Comment: The c.1789_1792delACTC variant in ACOX1 is a frameshift variant predicted to shift the reading frame and introduce a stop codon. This variant is expected to result in nonsense mediated decay, truncation, or a dysfunctional protein product. This variant is rare in the general population with a frequency below the threshold expected for the associated phenotype(s). This variant has been observed in one or more individuals affected with the associated recessive disease, as either homozygous or compound heterozygous with a second variant (PMID: 30561787). Given the available evidence, this variant is classified as Pathogenic.

Fulgent Genetics
Classification: Pathogenic for Acyl-CoA oxidase deficiency; Mitchell syndrome. Last evaluated: 2024-01-15. Review status: criteria provided, single submitter. Criteria: ACMG Guidelines, 2015. Collection method: clinical testing. Allele origin: germline.

Labcorp Genetics (formerly Invitae), Labcorp
Classification: Pathogenic for Acyl-CoA oxidase deficiency. Last evaluated: 2023-11-18. Review status: criteria provided, single submitter. Criteria: Invitae Variant Classification Sherloc (09022015). Collection method: clinical testing. Allele origin: germline.
Comment: This sequence change creates a premature translational stop signal (p.Thr597*) in the ACOX1 gene. It is expected to result in an absent or disrupted protein product. Loss-of-function variants in ACOX1 are known to be pathogenic (PMID: 8040306, 17458872). This variant is present in population databases (rs769644289, gnomAD 0.004%). This premature translational stop signal has been observed in individual(s) with peroxisomal acyl-CoA oxidase deficiency (PMID: 17458872). For these reasons, this variant has been classified as Pathogenic.

Greenwood Genetic Center Diagnostic Laboratories, Greenwood Genetic Center
Classification: Likely pathogenic for Acyl-CoA oxidase deficiency. Last evaluated: 2023-11-08. Review status: criteria provided, single submitter. Criteria: ACMG Guidelines, 2015. Collection method: clinical testing. Allele origin: germline. Affected: yes.
Comment: PVS1, PM2

Baylor Genetics
Classification: Likely pathogenic for Mitchell syndrome. Last evaluated: 2022-05-18. Review status: criteria provided, single submitter. Criteria: ACMG Guidelines, 2015. Collection method: clinical testing. Allele origin: unknown.

Blueprint Genetics
Classification: Likely pathogenic for ACOX1-related disorders. Last evaluated: 2021-04-29. Review status: criteria provided, single submitter. Criteria: ACMG Guidelines, 2015. Collection method: clinical testing. Allele origin: germline. Affected: yes. Observed: 1 variant allele.

Literature cited by the submitters: PubMed 30561787 (cited by Natera, Inc.); PubMed 8040306 (cited by Labcorp Genetics (formerly Invitae), Labcorp); PubMed 17458872 (cited by Labcorp Genetics (formerly Invitae), Labcorp).